The following is an entry in ClinVar:

ClinVar aggregate classification (germline): Conflicting classifications of pathogenicity. Review status: criteria provided, conflicting classifications (1 of 4 stars). 8 submissions from 8 submitters: Uncertain significance (2); Likely benign (4). 2 of the submissions do not count toward it. Last evaluated 2026-01-26.

Conditions:
Complement component 5 deficiency. Also called: C5 DEFICIENCY. Identifiers: MedGen C0343047, MONDO:0012295, OMIM 609536.
C5-related disorder. Also called: C5-related condition.

Allele frequency attached by ClinVar (database versions not stated): ESP Exome Variant Server 0.00038; TOPMed 0.00042; gnomAD exomes 0.00057 and 0.00062; ExAC 0.00070; gnomAD 0.00083 and 0.00087.
gnomAD v4.1: 925 of 1,577,064 alleles (0.059%); highest among the groups gnomAD compares: Non-Finnish European, 0.072%; 6 homozygotes.

Submissions (8):

Labcorp Genetics (formerly Invitae), Labcorp
Classification: Uncertain significance. Last evaluated: 2026-01-26. Review status: criteria provided, single submitter. Criteria: Invitae Variant Classification Sherloc (09022015). Collection method: clinical testing. Allele origin: germline.
Comment: This sequence change replaces isoleucine, which is neutral and non-polar, with threonine, which is neutral and polar, at codon 330 of the C5 protein (p.Ile330Thr). This variant is present in population databases (rs147430470, gnomAD 0.1%), and has an allele count higher than expected for a pathogenic variant. This missense change has been observed in individual(s) with C5-related conditions (PMID: 37744338). ClinVar contains an entry for this variant (Variation ID: 982690). Invitae Evidence Modeling of protein sequence and biophysical properties (such as structural, functional, and spatial information, amino acid conservation, physicochemical variation, residue mobility, and thermodynamic stability) indicates that this missense variant is not expected to disrupt C5 protein function with a negative predictive value of 80%. In summary, the available evidence is currently insufficient to determine the role of this variant in disease. Therefore, it has been classified as a Variant of Uncertain Significance.

PreventionGenetics, part of Exact Sciences
Classification: Uncertain significance for C5-related condition. Last evaluated: 2025-01-13. Review status: criteria provided, single submitter. Criteria: ACMG Guidelines, 2015. Collection method: clinical testing. Allele origin: germline.
Comment: The C5 c.989T>C variant is predicted to result in the amino acid substitution p.Ile330Thr. This variant was reported in an individual with atypical hemolytic uremic syndrome (Rydberg et al. 2023. PubMed ID: 37744338). This variant is reported in 0.15% of alleles in individuals of European (Non-Finnish) descent in gnomAD. Although we suspect that this variant may be benign, at this time, the clinical significance of this variant is uncertain due to the absence of conclusive functional and genetic evidence.

Blueprint Genetics
Classification: Likely benign. Last evaluated: 2024-11-27. Review status: criteria provided, single submitter. Criteria: ACMG Guidelines, 2015. Collection method: clinical testing. Allele origin: germline.

Women's Health and Genetics/Laboratory Corporation of America, LabCorp
Classification: Likely benign. Last evaluated: 2024-10-04. Review status: criteria provided, single submitter. Criteria: LabCorp Variant Classification Summary - May 2015. Collection method: clinical testing. Allele origin: germline.
Comment: Variant summary: C5 c.989T>C (p.Ile330Thr) results in a non-conservative amino acid change in the encoded protein sequence. Four of five in-silico tools predict a benign effect of the variant on protein function. The variant allele was found at a frequency of 0.00062 in 243512 control chromosomes. The observed variant frequency is approximately 6 fold of the estimated maximal expected allele frequency for a pathogenic variant in C5 causing C5 Deficiency phenotype (0.00011). c.989T>C has been reported in the literature in at least one individual affected with complement-mediated atypical hemolytic uremic syndrome (e.g. Rydberg_2023). These report(s) do not provide unequivocal conclusions about association of the variant with C5 Deficiency. To our knowledge, no experimental evidence demonstrating an impact on protein function has been reported. The following publication has been ascertained in the context of this evaluation (PMID: 37744338). ClinVar contains an entry for this variant (Variation ID: 982690). Based on the evidence outlined above, the variant was classified as likely benign.

CeGaT Center for Human Genetics Tuebingen
Classification: Likely benign. Last evaluated: 2022-07-01. Review status: criteria provided, single submitter. Criteria: CeGaT Center For Human Genetics Tuebingen Variant Classification Criteria Version 2. Collection method: clinical testing. Allele origin: germline. Affected: yes. Observed: 1 variant allele.
Comment: C5: BP4, BS2

Institute of Human Genetics, University of Leipzig Medical Center
Classification: Likely benign for Complement component 5 deficiency. Last evaluated: 2019-01-01. Review status: criteria provided, single submitter. Criteria: ACMG Guidelines, 2015. Collection method: clinical testing. Allele origin: unknown. Affected: yes.

Clinical Genetics DNA and cytogenetics Diagnostics Lab, Erasmus MC, Erasmus Medical Center
Classification: Likely benign. Review status: no assertion criteria provided. Collection method: clinical testing. Allele origin: germline. Affected: yes. Study: VKGL Data-share Consensus. Not counted in ClinVar's aggregate classification.

Genome Diagnostics Laboratory, University Medical Center Utrecht
Classification: Likely benign. Review status: no assertion criteria provided. Collection method: clinical testing. Allele origin: germline. Affected: yes. Study: VKGL Data-share Consensus. Not counted in ClinVar's aggregate classification.

Literature cited by the submitters: PubMed 37744338 (cited by Labcorp Genetics (formerly Invitae), Labcorp and Women's Health and Genetics/Laboratory Corporation of America, LabCorp).

NM_001735.3(C5):c.989T>C (p.Ile330Thr)

Gene: C5 (complement C5; minus strand). Cytogenetic location: 9q33.2.
Variant type: single nucleotide variant.
Coding change: c.989T>C on transcript NM_001735.3 (MANE Select); coding-DNA position 989, T replaced by C.
Protein change: p.Ile330Thr; replaces isoleucine 330 with threonine.
Molecular consequence: missense variant.
Genome position (GRCh38, 1-based): chr9:121,025,465, A>G on the plus strand (T>C on the coding strand, the complement: C5 is on the minus strand). VCF-style: chr9-121025465-A-G. GRCh37 (hg19) VCF-style: chr9-123787743-A-G.
Other names: c.1007T>C, p.Ile336Thr (NM_001317163.2); c.989T>C, p.Ile330Thr (NM_001317164.2); short protein forms I330T, I336T.
Identifiers: ClinVar variation 982690 (VCV000982690.37), dbSNP rs147430470, ClinGen allele CA5218230.